The following is an entry in ClinVar:

ClinVar aggregate classification (germline): Uncertain significance (1 of 4 stars; one submission).

gnomAD v4.1: 2 of 1,611,436 alleles (0.00012%); highest among the groups gnomAD compares: African/African-American, 0.0027%; no homozygotes.

Submission:

GeneDx
Classification: Uncertain significance. Last evaluated: 2024-03-20. Review status: criteria provided, single submitter. Criteria: GeneDx Variant Classification Process June 2021. Collection method: clinical testing. Allele origin: germline. Affected: yes.
Comment: Has not been previously published as pathogenic or benign to our knowledge; Not observed at significant frequency in large population cohorts (gnomAD); In silico analysis supports that this missense variant has a deleterious effect on protein structure/function

NM_022114.4(PRDM16):c.1648C>T (p.Pro550Ser)

Gene: PRDM16 (PR/SET domain 16; plus strand). Cytogenetic location: 1p36.32.
Variant type: single nucleotide variant.
Coding change: c.1648C>T on transcript NM_022114.4 (MANE Select); coding-DNA position 1648, C replaced by T.
Protein change: p.Pro550Ser; replaces proline 550 with serine.
Molecular consequence: missense variant.
Genome position (GRCh38, 1-based): chr1:3,411,845, C>T. VCF-style: chr1-3411845-C-T. GRCh37 (hg19) VCF-style: chr1-3328409-C-T.
Other names: c.1648C>T, p.Pro550Ser (NM_199454.3); short protein forms P550S.
Identifiers: ClinVar variation 3371190 (VCV003371190.1).
Genomic context (GRCh38, chr1:3,411,845, plus strand): 5'-CCTCCCACATCGCTGCTCAAGAGCCCCCTGAACCACACCCAGGACGCCAAGCTCCCCAGT[C>T]CCCTGGGGAACCCAGCCCTGCCCCTGGTCTCCGCCGTCAGCAACAGCAGCCAGGGCACGA-3'
Protein context (NP_071397.3, residues 540-560): NHTQDAKLPS[Pro550Ser]LGNPALPLVS